The following is an entry in ClinVar:

NM_014865.4(NCAPD2):c.4147G>A (p.Glu1383Lys)

Gene: NCAPD2 (non-SMC condensin I complex subunit D2; plus strand). Cytogenetic location: 12p13.31.
Variant type: single nucleotide variant.
Coding change: c.4147G>A on transcript NM_014865.4 (MANE Select); coding-DNA position 4147, G replaced by A.
Protein change: p.Glu1383Lys; replaces glutamic acid 1383 with lysine.
Molecular consequence: missense variant.
Genome position (GRCh38, 1-based): chr12:6,531,353, G>A. VCF-style: chr12-6531353-G-A. GRCh37 (hg19) VCF-style: chr12-6640519-G-A.
Other names: short protein forms E1383K.
Identifiers: ClinVar variation 771453 (VCV000771453.7), dbSNP rs61752289, ClinGen allele CA6409311.

ClinVar aggregate classification (germline): Benign. Review status: criteria provided, multiple submitters, no conflicts (2 of 4 stars). 3 submissions from 3 submitters: Benign (2). 1 of the submissions does not count toward it. Last evaluated 2019-12-31.

Conditions:
NCAPD2-related disorder. Also called: NCAPD2-related condition.

Allele frequency attached by ClinVar (database versions not stated): ESP Exome Variant Server 0.00069; gnomAD exomes 0.00247 and 0.00940; gnomAD 0.00617 and 0.00620; ExAC 0.00676; TOPMed 0.01002; 1000 Genomes Project 0.01038; 1000 Genomes Project 30x 0.01140.
gnomAD v4.1: 4,572 of 1,613,674 alleles (0.28%); highest among the groups gnomAD compares: Admixed American, 6.3%; 157 homozygotes.

Submissions (3):

Labcorp Genetics (formerly Invitae), Labcorp
Classification: Benign. Last evaluated: 2019-12-31. Review status: criteria provided, single submitter. Criteria: Invitae Variant Classification Sherloc (09022015). Collection method: clinical testing. Allele origin: germline.

Breakthrough Genomics
Classification: Benign. Review status: criteria provided, single submitter. Criteria: ACMG Guidelines, 2015. Collection method: not provided. Allele origin: germline. Inheritance: Autosomal recessive inheritance. Affected: yes.

PreventionGenetics, part of Exact Sciences
Classification: Benign for NCAPD2-related condition. Last evaluated: 2019-10-02. Review status: no assertion criteria provided. Collection method: clinical testing. Allele origin: germline. Not counted in ClinVar's aggregate classification.
Comment: This variant is classified as benign based on ACMG/AMP sequence variant interpretation guidelines (Richards et al. 2015 PMID: 25741868, with internal and published modifications).